The following is an entry in ClinVar:

ClinVar aggregate classification (germline): Uncertain significance. Review status: criteria provided, multiple submitters, no conflicts (2 of 4 stars). 2 submissions from 2 submitters: Uncertain significance (2). Last evaluated 2025-05-27.

Conditions:
Hereditary cancer-predisposing syndrome. Also called: Hereditary neoplastic syndrome; Neoplastic Syndromes, Hereditary; Tumor predisposition; Hereditary Cancer Syndrome. Identifiers: Orphanet 140162, MedGen C0027672, MeSH D009386, MONDO:0015356.
Cardiovascular phenotype. Identifiers: MedGen CN230736.
Neurofibromatosis, type 1 (NF1). Also called: VON RECKLINGHAUSEN DISEASE; NEUROFIBROMATOSIS, TYPE I, SOMATIC; Peripheral type neurofibromatosis; Neurofibromatosis, type I. Identifiers: Orphanet 636, MedGen C0027831, MONDO:0018975, OMIM 162200. Disease mechanism: loss of function.

Submissions (2):

Ambry Genetics
Classification: Uncertain significance for Cardiovascular phenotype; Hereditary cancer-predisposing syndrome. Last evaluated: 2025-05-27. Review status: criteria provided, single submitter. Criteria: Ambry Variant Classification Scheme 2023. Collection method: clinical testing. Allele origin: germline.
Comment: The p.L2052F variant (also known as c.6154C>T), located in coding exon 41 of the NF1 gene, results from a C to T substitution at nucleotide position 6154. The leucine at codon 2052 is replaced by phenylalanine, an amino acid with highly similar properties. This amino acid position is highly conserved in available vertebrate species. In addition, this alteration is predicted to be tolerated by in silico analysis. Based on the available evidence, the clinical significance of this variant remains unclear.

Labcorp Genetics (formerly Invitae), Labcorp
Classification: Uncertain significance for Neurofibromatosis, type 1. Last evaluated: 2024-11-04. Review status: criteria provided, single submitter. Criteria: Invitae Variant Classification Sherloc (09022015). Collection method: clinical testing. Allele origin: germline.
Comment: This sequence change replaces leucine, which is neutral and non-polar, with phenylalanine, which is neutral and non-polar, at codon 2052 of the NF1 protein (p.Leu2052Phe). This variant is not present in population databases (gnomAD no frequency). This variant has not been reported in the literature in individuals affected with NF1-related conditions. ClinVar contains an entry for this variant (Variation ID: 1042577). Invitae Evidence Modeling of protein sequence and biophysical properties (such as structural, functional, and spatial information, amino acid conservation, physicochemical variation, residue mobility, and thermodynamic stability) indicates that this missense variant is not expected to disrupt NF1 protein function with a negative predictive value of 95%. In summary, the available evidence is currently insufficient to determine the role of this variant in disease. Therefore, it has been classified as a Variant of Uncertain Significance.

NM_001042492.3(NF1):c.6217C>T (p.Leu2073Phe)

Gene: NF1 (neurofibromin 1; plus strand). Cytogenetic location: 17q11.2.
Variant type: single nucleotide variant.
Coding change: c.6217C>T on transcript NM_001042492.3 (MANE Select); coding-DNA position 6217, C replaced by T.
Protein change: p.Leu2073Phe; replaces leucine 2073 with phenylalanine.
Molecular consequence: missense variant.
Genome position (GRCh38, 1-based): chr17:31,336,704, C>T. VCF-style: chr17-31336704-C-T. GRCh37 (hg19) VCF-style: chr17-29663722-C-T.
Other names: c.6154C>T, p.Leu2052Phe (NM_000267.4); short protein forms L2073F, L2052F.
Identifiers: ClinVar variation 1042577 (VCV001042577.6), dbSNP rs1026776734, ClinGen allele CA289386138.